The following is an entry in ClinVar:

ClinVar aggregate classification (germline): Pathogenic (1 of 4 stars; one submission).

Conditions:
LAMA2-related muscular dystrophy (LAMA2-RD). Also called: Laminin alpha 2-related dystrophy. Identifiers: MedGen C5679788, MONDO:0100228.

Submission:

Labcorp Genetics (formerly Invitae), Labcorp
Classification: Pathogenic for LAMA2-related muscular dystrophy. Last evaluated: 2022-02-09. Review status: criteria provided, single submitter. Criteria: Invitae Variant Classification Sherloc (09022015). Collection method: clinical testing. Allele origin: germline.
Comment: For these reasons, this variant has been classified as Pathogenic. This variant has not been reported in the literature in individuals affected with LAMA2-related conditions. This variant is not present in population databases (gnomAD no frequency). This sequence change creates a premature translational stop signal (p.Gly884Alafs*4) in the LAMA2 gene. It is expected to result in an absent or disrupted protein product. Loss-of-function variants in LAMA2 are known to be pathogenic (PMID: 18700894, 32904964).

Literature cited by the submitters: PubMed 18700894; PubMed 32904964.

NM_000426.4(LAMA2):c.2651del (p.Gly884fs)

Gene: LAMA2 (laminin subunit alpha 2; plus strand). Cytogenetic location: 6q22.33.
Variant type: Deletion.
Coding change: c.2651del on transcript NM_000426.4 (MANE Select); coding-DNA position 2651, one base deleted (G; older notation c.2651delG).
Protein change: p.Gly884fs; shifts the reading frame from glycine 884.
Molecular consequence: frameshift variant.
Genome position (GRCh38, 1-based): chr6:129,287,960, G deleted; the last of 2 consecutive G bases (chr6:129,287,959-129,287,960); deleting either gives the same sequence. VCF-style (leftmost placement, unchanged base first): chr6-129287958-TG-T. GRCh37 (hg19) VCF-style: chr6-129609103-TG-T.
Other names: c.2651del, p.Gly884fs (NM_001079823.2); short protein forms G884fs.
Identifiers: ClinVar variation 2091773 (VCV002091773.4), dbSNP rs2482292319, ClinGen allele CA2580074910.